The following is an entry in ClinVar:

NM_000352.6(ABCC8):c.3394G>A (p.Asp1132Asn)

Gene: ABCC8 (ATP binding cassette subfamily C member 8; minus strand). Cytogenetic location: 11p15.1.
Variant type: single nucleotide variant.
Coding change: c.3394G>A on transcript NM_000352.6 (MANE Select); coding-DNA position 3394, G replaced by A.
Protein change: p.Asp1132Asn; replaces aspartic acid 1132 with asparagine.
Molecular consequence: missense variant. On other transcripts: non-coding transcript variant (1).
Genome position (GRCh38, 1-based): chr11:17,405,499, C>T on the plus strand (G>A on the coding strand, the complement: ABCC8 is on the minus strand). VCF-style: chr11-17405499-C-T. GRCh37 (hg19) VCF-style: chr11-17427046-C-T.
Other names: c.3397G>A, p.Asp1133Asn (NM_001287174.3); c.3460G>A, p.Asp1154Asn (NM_001351295.2); c.3394G>A, p.Asp1132Asn (NM_001351296.2); c.3391G>A, p.Asp1131Asn (NM_001351297.2); short protein forms D1154N, D1131N, D1132N, D1133N.
Identifiers: ClinVar variation 4526265 (VCV004526265.1).

ClinVar aggregate classification (germline): Likely pathogenic (1 of 4 stars; one submission).

Conditions:
Familial hyperinsulinism. Also called: Congenital hyperinsulinism. Identifiers: Orphanet 276525, MedGen C3888018, MONDO:0017182. Disease mechanism: loss of function.

gnomAD v4.1: 2 of 1,614,044 alleles (0.00012%); highest among the groups gnomAD compares: Non-Finnish European, 0.00017%; no homozygotes.

Submission:

Women's Health and Genetics/Laboratory Corporation of America, LabCorp
Classification: Likely pathogenic for Familial hyperinsulinism. Last evaluated: 2025-07-23. Review status: criteria provided, single submitter. Criteria: LabCorp Variant Classification Summary - May 2015. Collection method: clinical testing. Allele origin: germline.
Comment: Variant summary: ABCC8 c.3394G>A (p.Asp1132Asn) results in a conservative amino acid change in the encoded protein sequence. Algorithms developed to predict the effect of missense changes on protein structure and function are either unavailable or do not agree on the potential impact of this missense change. At least one publication reports experimental evidence that this variant affects mRNA splicing and induces the complete skipping of the exon 27 (Lago-Docampo_2020). The variant was absent in 251492 control chromosomes (gnomAD). c.3394G>A has been observed in individuals affected with congenital heart disease (Lago-Docampo_2020, Castao_2020). These reports do not provide unequivocal conclusions about association of the variant with Familial Hyperinsulinism. The following publications have been ascertained in the context of this evaluation (PMID: 33007923, 32934261). No submitters have cited clinical-significance assessments for this variant to ClinVar. Based on the evidence outlined above, the variant was classified as likely pathogenic.

Literature cited by the submitters: PubMed 32934261; PubMed 33007923.